The following is an entry in ClinVar:

NM_015910.7(WDPCP):c.47G>A (p.Ser16Asn)

Gene: WDPCP (WD repeat containing planar cell polarity effector; minus strand). Cytogenetic location: 2p15.
Variant type: single nucleotide variant.
Coding change: c.47G>A on transcript NM_015910.7 (MANE Select); coding-DNA position 47, G replaced by A.
Protein change: p.Ser16Asn; replaces serine 16 with asparagine.
Molecular consequence: missense variant. On other transcripts: 5 prime UTR variant (1), non-coding transcript variant (2).
Genome position (GRCh38, 1-based): chr2:63,588,225, C>T on the plus strand (G>A on the coding strand, the complement: WDPCP is on the minus strand). VCF-style: chr2-63588225-C-T. GRCh37 (hg19) VCF-style: chr2-63815359-C-T.
Other names: c.-278G>A (NM_001354044.2); c.47G>A, p.Ser16Asn (NM_001354045.2); short protein forms S16N.
Identifiers: ClinVar variation 1351967 (VCV001351967.4), dbSNP rs1709010736, ClinGen allele CA347066567.

ClinVar aggregate classification (germline): Uncertain significance (1 of 4 stars; one submission).

Conditions:
Bardet-Biedl syndrome (BBS). Identifiers: Orphanet 110, MedGen C0752166, MONDO:0015229.

Allele frequency attached by ClinVar (database versions not stated): TOPMed below 0.00001.

Submission:

Labcorp Genetics (formerly Invitae), Labcorp
Classification: Uncertain significance for Bardet-Biedl syndrome. Last evaluated: 2022-06-20. Review status: criteria provided, single submitter. Criteria: Invitae Variant Classification Sherloc (09022015). Collection method: clinical testing. Allele origin: germline.
Comment: In summary, the available evidence is currently insufficient to determine the role of this variant in disease. Therefore, it has been classified as a Variant of Uncertain Significance. Algorithms developed to predict the effect of missense changes on protein structure and function output the following: SIFT: "Deleterious"; PolyPhen-2: "Benign"; Align-GVGD: "Class C0". The asparagine amino acid residue is found in multiple mammalian species, which suggests that this missense change does not adversely affect protein function. This variant has not been reported in the literature in individuals affected with WDPCP-related conditions. This variant is not present in population databases (gnomAD no frequency). This sequence change replaces serine, which is neutral and polar, with asparagine, which is neutral and polar, at codon 16 of the WDPCP protein (p.Ser16Asn).